The following is an entry in ClinVar:

ClinVar aggregate classification (germline): Uncertain significance (1 of 4 stars; one submission).

Conditions:
SCAPER-related disorder. Also called: SCAPER-related condition.

gnomAD v4.1: 1 of 1,610,346 alleles (0.000062%); highest among the groups gnomAD compares: Non-Finnish European, 0.000085%; no homozygotes.

Submission:

PreventionGenetics, part of Exact Sciences
Classification: Uncertain significance for SCAPER-related condition. Last evaluated: 2025-11-03. Review status: criteria provided, single submitter. Criteria: ACMG Guidelines, 2015. Collection method: clinical testing. Allele origin: germline.
Comment: The SCAPER c.3960C>G variant is predicted to result in the amino acid substitution p.Ile1320Met. To our knowledge, this variant has not been reported in the literature or in a large population database (gnomAD), indicating this variant is rare. At this time, the clinical significance of this variant is uncertain due to the absence of conclusive functional and genetic evidence.

NM_020843.4(SCAPER):c.3942C>G (p.Ile1314Met)

Gene: SCAPER (S-phase cyclin A associated protein in the ER; minus strand). Cytogenetic location: 15q24.3.
Variant type: single nucleotide variant.
Coding change: c.3942C>G on transcript NM_020843.4 (MANE Select); coding-DNA position 3942, C replaced by G.
Protein change: p.Ile1314Met; replaces isoleucine 1314 with methionine.
Molecular consequence: missense variant. On other transcripts: non-coding transcript variant (1).
Genome position (GRCh38, 1-based): chr15:76,354,054, G>C on the plus strand (C>G on the coding strand, the complement: SCAPER is on the minus strand). VCF-style: chr15-76354054-G-C. GRCh37 (hg19) VCF-style: chr15-76646395-G-C.
Other names: c.3204C>G, p.Ile1068Met (NM_001145923.2); c.3960C>G, p.Ile1320Met (NM_001353009.2); c.3540C>G, p.Ile1180Met (NM_001353010.2, NM_001353012.2); c.3558C>G, p.Ile1186Met (NM_001353011.2); short protein forms I1180M, I1314M, I1320M, I1068M, I1186M.
Identifiers: ClinVar variation 4996285 (VCV004996285.1).
Genomic context (GRCh38, chr15:76,354,054, plus strand): 5'-AATGATCTTGTTCTGATGGTTGTTGTAACAAGCAGCGATAAGTGAAGGGAACAGTACTTT[G>C]ATCAGCCGTGGGTCACTGAAATACTGGAAGGGCAACTGGCAGAGCTTCTGCAGCACTGTG-3'
Protein context (NP_065894.2, residues 1304-1324): PFQYFSDPRL[Ile1314Met]KVLFPSLIAA